The following is an entry in ClinVar:

NM_006254.4(PRKCD):c.1025G>T (p.Ser342Ile)

Gene: PRKCD (protein kinase C delta; plus strand). Cytogenetic location: 3p21.1.
Variant type: single nucleotide variant.
Coding change: c.1025G>T on transcript NM_006254.4 (MANE Select); coding-DNA position 1025, G replaced by T.
Protein change: p.Ser342Ile; replaces serine 342 with isoleucine.
Molecular consequence: missense variant.
Genome position (GRCh38, 1-based): chr3:53,185,966, G>T. VCF-style: chr3-53185966-G-T. GRCh37 (hg19) VCF-style: chr3-53219982-G-T.
Other names: c.1025G>T, p.Ser342Ile (NM_001316327.2, NM_001354679.2, NM_001354680.2 and 1 more transcripts); c.1082G>T, p.Ser361Ile (NM_001354676.2); c.1073G>T, p.Ser358Ile (NM_001354678.2); short protein forms S342I, S358I, S361I.
Identifiers: ClinVar variation 2760461 (VCV002760461.3), dbSNP rs2471097969, ClinGen allele CA353221216.
Genomic context (GRCh38, chr3:53,185,966, plus strand): 5'-GAGGTGCCATCTCTCGGGCAGACAACAGTGGGACCTACGGCAAGATCTGGGAGGGCAGCA[G>T]CAAGTGCAACATCAACAACTTCATCTTCCACAAGGTCCTGGGCAAAGGCAGCTTCGGGAA-3'
Protein context (NP_006245.2, residues 332-352): GTYGKIWEGS[Ser342Ile]KCNINNFIFH

ClinVar aggregate classification (germline): Uncertain significance (1 of 4 stars; one submission).

Conditions:
Autoimmune lymphoproliferative syndrome, type III caused by mutation in PRKCD. Identifiers: Orphanet 3261, Orphanet 664711, MedGen C3809928, MONDO:8000024, OMIM 615559.

Submission:

Labcorp Genetics (formerly Invitae), Labcorp
Classification: Uncertain significance for Autoimmune lymphoproliferative syndrome, type III caused by mutation in PRKCD. Last evaluated: 2023-09-12. Review status: criteria provided, single submitter. Criteria: Invitae Variant Classification Sherloc (09022015). Collection method: clinical testing. Allele origin: germline.
Comment: In summary, the available evidence is currently insufficient to determine the role of this variant in disease. Therefore, it has been classified as a Variant of Uncertain Significance. This sequence change replaces serine, which is neutral and polar, with isoleucine, which is neutral and non-polar, at codon 342 of the PRKCD protein (p.Ser342Ile). This variant is not present in population databases (gnomAD no frequency). This variant has not been reported in the literature in individuals affected with PRKCD-related conditions. An algorithm developed to predict the effect of missense changes on protein structure and function (PolyPhen-2) suggests that this variant is likely to be tolerated.